The following is an entry in ClinVar:

ClinVar aggregate classification (germline): Uncertain significance (1 of 4 stars; one submission).

Conditions:
Xeroderma pigmentosum, group F (XPF). Also called: XERODERMA PIGMENTOSUM, COMPLEMENTATION GROUP F; XERODERMA PIGMENTOSUM VI; XP, GROUP F; ERCC4-Related Xeroderma Pigmentosum; XERODERMA PIGMENTOSUM, TYPE F; Xeroderma pigmentosum, type 6. Identifiers: MedGen C0268140, MONDO:0010215, OMIM 278760.
Fanconi anemia complementation group Q. Identifiers: Orphanet 84, MedGen C3808988, MONDO:0014108, OMIM 615272.
Cockayne syndrome. Identifiers: Orphanet 191, MedGen C0009207, MONDO:0016006.

Submission:

Labcorp Genetics (formerly Invitae), Labcorp
Classification: Uncertain significance for Fanconi anemia complementation group Q; Xeroderma pigmentosum, group F; Cockayne syndrome. Last evaluated: 2025-10-13. Review status: criteria provided, single submitter. Criteria: Invitae Variant Classification Sherloc (09022015). Collection method: clinical testing. Allele origin: germline.
Comment: This sequence change replaces histidine, which is basic and polar, with tyrosine, which is neutral and polar, at codon 466 of the ERCC4 protein (p.His466Tyr). This variant is not present in population databases (gnomAD no frequency). This variant has not been reported in the literature in individuals affected with ERCC4-related conditions. Invitae Evidence Modeling of protein sequence and biophysical properties (such as structural, functional, and spatial information, amino acid conservation, physicochemical variation, residue mobility, and thermodynamic stability) indicates that this missense variant is not expected to disrupt ERCC4 protein function with a negative predictive value of 80%. In summary, the available evidence is currently insufficient to determine the role of this variant in disease. Therefore, it has been classified as a Variant of Uncertain Significance.

NM_005236.3(ERCC4):c.1396C>T (p.His466Tyr)

Gene: ERCC4 (ERCC excision repair 4, endonuclease catalytic subunit; plus strand). Cytogenetic location: 16p13.12.
Variant type: single nucleotide variant.
Coding change: c.1396C>T on transcript NM_005236.3 (MANE Select); coding-DNA position 1396, C replaced by T.
Protein change: p.His466Tyr; replaces histidine 466 with tyrosine.
Molecular consequence: missense variant.
Genome position (GRCh38, 1-based): chr16:13,935,328, C>T. VCF-style: chr16-13935328-C-T. GRCh37 (hg19) VCF-style: chr16-14029185-C-T.
Other names: short protein forms H466Y.
Identifiers: ClinVar variation 4790367 (VCV004790367.1).